The following is an entry in ClinVar:

ClinVar aggregate classification (germline): Uncertain significance. Review status: criteria provided, multiple submitters, no conflicts (2 of 4 stars). 2 submissions from 2 submitters: Uncertain significance (2). Last evaluated 2026-07-28.

Conditions:
Hereditary cancer-predisposing syndrome. Also called: Neoplastic Syndromes, Hereditary; Hereditary Cancer Syndrome; Hereditary neoplastic syndrome; Tumor predisposition. Identifiers: Orphanet 140162, MedGen C0027672, MeSH D009386, MONDO:0015356.

Allele frequency attached by ClinVar (database versions not stated): TOPMed 0.00001.
gnomAD v4.1: 1 of 1,614,082 alleles (0.000062%); no homozygotes.

Submissions (2):

Ambry Genetics
Classification: Uncertain significance for Hereditary cancer-predisposing syndrome. Last evaluated: 2026-07-28. Review status: criteria provided, single submitter. Criteria: Ambry Variant Classification Scheme 2023. Collection method: clinical testing. Allele origin: germline.

Labcorp Genetics (formerly Invitae), Labcorp
Classification: Uncertain significance. Last evaluated: 2025-07-01. Review status: criteria provided, single submitter. Criteria: Invitae Variant Classification Sherloc (09022015). Collection method: clinical testing. Allele origin: germline.
Comment: This sequence change replaces tyrosine, which is neutral and polar, with cysteine, which is neutral and slightly polar, at codon 1782 of the POLE protein (p.Tyr1782Cys). This variant is not present in population databases (gnomAD no frequency). This variant has not been reported in the literature in individuals affected with POLE-related conditions. ClinVar contains an entry for this variant (Variation ID: 649557). Invitae Evidence Modeling of protein sequence and biophysical properties (such as structural, functional, and spatial information, amino acid conservation, physicochemical variation, residue mobility, and thermodynamic stability) indicates that this missense variant is expected to disrupt POLE protein function with a positive predictive value of 80%. In summary, the available evidence is currently insufficient to determine the role of this variant in disease. Therefore, it has been classified as a Variant of Uncertain Significance.

NM_006231.4(POLE):c.5345A>G (p.Tyr1782Cys)

Gene: POLE (DNA polymerase epsilon, catalytic subunit; minus strand). Cytogenetic location: 12q24.33.
Variant type: single nucleotide variant.
Coding change: c.5345A>G on transcript NM_006231.4 (MANE Select); coding-DNA position 5345, A replaced by G.
Protein change: p.Tyr1782Cys; replaces tyrosine 1782 with cysteine.
Molecular consequence: missense variant.
Genome position (GRCh38, 1-based): chr12:132,641,680, T>C on the plus strand (A>G on the coding strand, the complement: POLE is on the minus strand). VCF-style: chr12-132641680-T-C. GRCh37 (hg19) VCF-style: chr12-133218266-T-C.
Other names: c.5345A>G (NM_006231.2); short protein forms Y1782C.
Identifiers: ClinVar variation 649557 (VCV000649557.10), dbSNP rs1365071731, ClinGen allele CA387375808.
Genomic context (GRCh38, chr12:132,641,680, plus strand): 5'-AACACTCCTTCCCAGAGAGGGTGGCACCTGAAGGTGTTAGAGCACAGGGCTGTCTCATCG[T>C]AGCTGGCCGGGGCACTGGCAGCCTGACCACCCGTGATCATGTCCTCCAGGGAGGCCTGCT-3'
Protein context (NP_006222.2, residues 1772-1792): GGQAASAPAS[Tyr1782Cys]DETALCSNTF